The following is an entry in ClinVar:

NM_017491.5(WDR1):c.1001A>C (p.Lys334Thr)

Gene: WDR1 (WD repeat domain 1; minus strand). Cytogenetic location: 4p16.1.
Variant type: single nucleotide variant.
Coding change: c.1001A>C on transcript NM_017491.5 (MANE Select); coding-DNA position 1001, A replaced by C.
Protein change: p.Lys334Thr; replaces lysine 334 with threonine.
Molecular consequence: missense variant.
Genome position (GRCh38, 1-based): chr4:10,084,481, T>G on the plus strand (A>C on the coding strand, the complement: WDR1 is on the minus strand). VCF-style: chr4-10084481-T-G. GRCh37 (hg19) VCF-style: chr4-10086105-T-G.
Other names: c.581A>C, p.Lys194Thr (NM_005112.5); short protein forms K194T, K334T.
Identifiers: ClinVar variation 1398985 (VCV001398985.8), dbSNP rs2109648674, ClinGen allele CA356360560.

ClinVar aggregate classification (germline): Uncertain significance (1 of 4 stars; one submission).

Submission:

Labcorp Genetics (formerly Invitae), Labcorp
Classification: Uncertain significance. Last evaluated: 2021-06-08. Review status: criteria provided, single submitter. Criteria: Invitae Variant Classification Sherloc (09022015). Collection method: clinical testing. Allele origin: germline.
Comment: Algorithms developed to predict the effect of missense changes on protein structure and function (SIFT, PolyPhen-2, Align-GVGD) all suggest that this variant is likely to be tolerated, but these predictions have not been confirmed by published functional studies and their clinical significance is uncertain. In summary, the available evidence is currently insufficient to determine the role of this variant in disease. Therefore, it has been classified as a Variant of Uncertain Significance. This sequence change replaces lysine with threonine at codon 334 of the WDR1 protein (p.Lys334Thr). The lysine residue is weakly conserved and there is a moderate physicochemical difference between lysine and threonine. This variant is not present in population databases (ExAC no frequency). This variant has not been reported in the literature in individuals with WDR1-related conditions.